The following is an entry in ClinVar:

NM_006059.4(LAMC3):c.2090del (p.Gln697fs)

Gene: LAMC3 (laminin subunit gamma 3; plus strand). Cytogenetic location: 9q34.12.
Variant type: Deletion.
Coding change: c.2090del on transcript NM_006059.4 (MANE Select); coding-DNA position 2090, one base deleted (A; older notation c.2090delA).
Protein change: p.Gln697fs; shifts the reading frame from glutamine 697.
Molecular consequence: frameshift variant.
Genome position (GRCh38, 1-based): chr9:131,057,079, A deleted. VCF-style (leftmost placement, unchanged base first): chr9-131057078-CA-C. GRCh37 (hg19) VCF-style: chr9-133932465-CA-C.
Other names: short protein forms Q697fs.
Identifiers: ClinVar variation 1456928 (VCV001456928.6), dbSNP rs1834422689, ClinGen allele CA1881572373.
Genomic context (GRCh38, chr9:131,057,078, plus strand): 5'-ACTGGCTACACGGGCCAGTTCTGTGAATCCTGTGCTCCGGGATACAAGAGGGAGATGCCA[CA>C]GGGGGGTCCCTATGCCAGCTGTGTCCCCTGCACCTGTAACCAGCATGGCACCTGTGACCC-3'

ClinVar aggregate classification (germline): Pathogenic (1 of 4 stars; one submission).

Allele frequency attached by ClinVar (database versions not stated): gnomAD exomes below 0.00001; TOPMed below 0.00001.

Submission:

Labcorp Genetics (formerly Invitae), Labcorp
Classification: Pathogenic. Last evaluated: 2026-01-18. Review status: criteria provided, single submitter. Criteria: Invitae Variant Classification Sherloc (09022015). Collection method: clinical testing. Allele origin: germline.
Comment: This sequence change creates a premature translational stop signal (p.Gln697Argfs*187) in the LAMC3 gene. It is expected to result in an absent or disrupted protein product. Loss-of-function variants in LAMC3 are known to be pathogenic (PMID: 21572413, 26802095). This variant is not present in population databases (gnomAD no frequency). This variant has not been reported in the literature in individuals affected with LAMC3-related conditions. ClinVar contains an entry for this variant (Variation ID: 1456928). For these reasons, this variant has been classified as Pathogenic.

Literature cited by the submitters: PubMed 21572413; PubMed 26802095.